The following is an entry in ClinVar:

NM_000548.5(TSC2):c.4450G>A (p.Ala1484Thr)

Gene: TSC2 (TSC complex subunit 2; plus strand). Cytogenetic location: 16p13.3.
Variant type: single nucleotide variant.
Coding change: c.4450G>A on transcript NM_000548.5 (MANE Select); coding-DNA position 4450, G replaced by A.
Protein change: p.Ala1484Thr; replaces alanine 1484 with threonine.
Molecular consequence: missense variant. On other transcripts: non-coding transcript variant (5).
Genome position (GRCh38, 1-based): chr16:2,084,672, G>A. VCF-style: chr16-2084672-G-A. GRCh37 (hg19) VCF-style: chr16-2134673-G-A.
Other names: c.3652G>A, p.Ala1218Thr (NM_001406686.1, NM_001406685.1); c.3649G>A, p.Ala1217Thr (NM_001406687.1, NM_001406688.1); c.3037G>A, p.Ala1013Thr (NM_001406689.1); c.2977G>A, p.Ala993Thr (NM_001406690.1); c.2974G>A, p.Ala992Thr (NM_001406691.1); c.2908G>A, p.Ala970Thr (NM_001406692.1, NM_001406693.1, NM_001406694.1); c.2905G>A, p.Ala969Thr (NM_001406695.1, NM_001406696.1, NM_001406697.1); c.3781G>A, p.Ala1261Thr (NM_001406683.1, NM_001406682.1); and 26 more; short protein forms A1218T, A1264T, A1398T, A1413T, A1418T, A1440T, A1447T, A1458T.
Identifiers: ClinVar variation 2587783 (VCV002587783.6), dbSNP rs748698490, ClinGen allele CA051205.
Genomic context (GRCh38, chr16:2,084,672, plus strand): 5'-TCCGACTCGGCCCCATCACGCAGGGGCAAGAGAGTAGAGAGGGACGCCTTAAAGAGCAGA[G>A]CCACAGCCTCCAATGCAGAGAAAGTGCCAGGCATCAACCCCAGGTGGGCCTCTTGCTTCC-3'
Protein context (NP_000539.2, residues 1474-1494): RVERDALKSR[Ala1484Thr]TASNAEKVPG

ClinVar aggregate classification (germline): Conflicting classifications of pathogenicity. Review status: criteria provided, conflicting classifications (1 of 4 stars). 3 submissions from 3 submitters: Uncertain significance (2); Benign (1). Last evaluated 2023-09-15.

Conditions:
Isolated focal cortical dysplasia type II (FCORD2). Also called: Focal cortical dysplasia type II; CORTICAL DYSPLASIA OF TAYLOR. Identifiers: Orphanet 268994, MedGen C1846385, MONDO:0011818, OMIM 607341, HP:0032051.
Hereditary cancer-predisposing syndrome. Also called: Tumor predisposition; Neoplastic Syndromes, Hereditary; Hereditary Cancer Syndrome; Hereditary neoplastic syndrome. Identifiers: Orphanet 140162, MedGen C0027672, MeSH D009386, MONDO:0015356.
Tuberous sclerosis 2 (TSC2). Identifiers: Orphanet 805, MedGen C1860707, MONDO:0013199, OMIM 613254.

Allele frequency attached by ClinVar (database versions not stated): gnomAD exomes below 0.00001; ExAC 0.00001.
gnomAD v4.1: 6 of 1,598,796 alleles (0.00038%); highest among the groups gnomAD compares: South Asian, 0.0022%; no homozygotes.

Submissions (3):

Labcorp Genetics (formerly Invitae), Labcorp
Classification: Benign for Tuberous sclerosis 2. Last evaluated: 2023-09-15. Review status: criteria provided, single submitter. Criteria: Invitae Variant Classification Sherloc (09022015). Collection method: clinical testing. Allele origin: germline.

Ambry Genetics
Classification: Uncertain significance for Hereditary cancer-predisposing syndrome. Last evaluated: 2023-09-13. Review status: criteria provided, single submitter. Criteria: Ambry Variant Classification Scheme 2023. Collection method: clinical testing. Allele origin: germline.
Comment: The p.A1484T variant (also known as c.4450G>A), located in coding exon 33 of the TSC2 gene, results from a G to A substitution at nucleotide position 4450. The alanine at codon 1484 is replaced by threonine, an amino acid with similar properties. This amino acid position is conserved. In addition, the in silico prediction for this alteration is inconclusive. Since supporting evidence is limited at this time, the clinical significance of this alteration remains unclear.

Baylor Genetics
Classification: Uncertain significance for Isolated focal cortical dysplasia type II. Last evaluated: 2023-05-19. Review status: criteria provided, single submitter. Criteria: ACMG Guidelines, 2015. Collection method: clinical testing. Allele origin: unknown.